The following is an entry in ClinVar:

NM_152564.5(VPS13B):c.6654A>G (p.Leu2218=)

Gene: VPS13B (vacuolar protein sorting 13 homolog B; plus strand). Cytogenetic location: 8q22.2.
Variant type: single nucleotide variant.
Coding change: c.6654A>G on transcript NM_152564.5 (MANE Select); coding-DNA position 6654, A replaced by G.
Protein change: p.Leu2218=; no amino-acid change (leucine 2218 retained).
Molecular consequence: synonymous variant.
Genome position (GRCh38, 1-based): chr8:99,717,370, A>G. VCF-style: chr8-99717370-A-G. GRCh37 (hg19) VCF-style: chr8-100729598-A-G.
Other names: c.6729A>G, p.Leu2243= (NM_017890.5); c.6654A>G (NM_152564.4).
Identifiers: ClinVar variation 500886 (VCV000500886.13), dbSNP rs1046756662, ClinGen allele CA183029025.

ClinVar aggregate classification (germline): Conflicting classifications of pathogenicity. Review status: criteria provided, conflicting classifications (1 of 4 stars). 3 submissions from 3 submitters: Uncertain significance (1); Likely benign (1). 1 of the submissions does not count toward it. Last evaluated 2026-01-19.

Conditions:
VPS13B-related disorder. Also called: VPS13B-related condition.
Cohen syndrome (COH1). Also called: Cutis verticis gyrata, retinitis pigmentosa, and sensorineural deafness; PEPPER SYNDROME. Identifiers: Orphanet 193, MedGen C0265223, MONDO:0008999, OMIM 216550.

Allele frequency attached by ClinVar (database versions not stated): gnomAD exomes below 0.00001 and 0.00001; TOPMed 0.00002.
gnomAD v4.1: 4 of 1,613,766 alleles (0.00025%); highest among the groups gnomAD compares: Admixed American, 0.0033%; no homozygotes.

Submissions (3):

Labcorp Genetics (formerly Invitae), Labcorp
Classification: Likely benign for Cohen syndrome. Last evaluated: 2026-01-19. Review status: criteria provided, single submitter. Criteria: Invitae Variant Classification Sherloc (09022015). Collection method: clinical testing. Allele origin: germline.

Eurofins Ntd Llc (ga)
Classification: Uncertain significance. Last evaluated: 2017-03-24. Review status: criteria provided, single submitter. Criteria: EGL Classification Definitions 2015. Collection method: clinical testing. Allele origin: germline. Observed: 1 variant allele, 1 heterozygote.

PreventionGenetics, part of Exact Sciences
Classification: Likely benign for VPS13B-related condition. Last evaluated: 2022-04-07. Review status: no assertion criteria provided. Collection method: clinical testing. Allele origin: germline. Not counted in ClinVar's aggregate classification.
Comment: This variant is classified as likely benign based on ACMG/AMP sequence variant interpretation guidelines (Richards et al. 2015 PMID: 25741868, with internal and published modifications).